The following is an entry in ClinVar:

ClinVar aggregate classification (germline): Likely pathogenic. Review status: criteria provided, multiple submitters, no conflicts (2 of 4 stars). 3 submissions from 3 submitters: Likely pathogenic (3). Last evaluated 2024-06-05.

Conditions:
Abnormal brain morphology. Also called: Abnormality of brain morphology. Identifiers: MedGen C4021085, HP:0012443.
Infantile neuroaxonal dystrophy (NBIA2A). Also called: Infantile neuroaxonal dystrophy 1; NEURODEGENERATION WITH BRAIN IRON ACCUMULATION 2A; SEITELBERGER DISEASE. Identifiers: Orphanet 35069, MedGen C0270724, MONDO:0024457, OMIM 256600.
Neurodegeneration with brain iron accumulation 2B. Also called: NEUROAXONAL DYSTROPHY, ATYPICAL; NEURODEGENERATION WITH BRAIN IRON ACCUMULATION, PLA2G6-RELATED; aNAD; atypical Neuroaxonal Dystrophy (aNAD). Identifiers: Orphanet 35069, MedGen C1857747, MONDO:0012444, OMIM 610217.
Autosomal recessive Parkinson disease 14. Also called: DYSTONIA-PARKINSONISM, ADULT-ONSET; PARKINSON DISEASE 14. Identifiers: Orphanet 199351, MedGen C2751842, MONDO:0013060, OMIM 612953.

Submissions (3):

Fulgent Genetics
Classification: Likely pathogenic for Infantile neuroaxonal dystrophy; Neurodegeneration with brain iron accumulation 2B; Autosomal recessive Parkinson disease 14. Last evaluated: 2024-06-05. Review status: criteria provided, single submitter. Criteria: ACMG Guidelines, 2015. Collection method: clinical testing. Allele origin: germline.

3billion
Classification: Likely pathogenic for Infantile neuroaxonal dystrophy. Last evaluated: 2022-01-03. Review status: criteria provided, single submitter. Criteria: ACMG Guidelines, 2015. Collection method: clinical testing. Allele origin: germline. Affected: yes. Observed: 1 heterozygote.
Comment: Same nucleotide change resulting in same amino acid change has been previously reported to be associated with PLA2G6 related disorder (ClinVar ID: VCV000402192, PS1_P). The variant has been reported to be in trans with a pathogenic variant as either compound heterozygous or homozygous in at least one similarly affected unrelated individual (PMID: 26539891, PM3_M). The variant was co-segregated with Infantile neuroaxonal dystrophy 1 in multiple affected family members (PMID: 26539891, PP1_P). In silico tool predictions suggest damaging effect of the variant on gene or gene product (3CNET: 0.867, PP3_P). A missense variant is a common mechanism associated with Infantile neuroaxonal dystrophy 1 (PP2_P). It is not observed in the gnomAD v2.1.1 dataset (PM2_M). Therefore, this variant is classified as likely pathogenic according to the recommendation of ACMG/AMP guideline.

Lupski Lab, Baylor-Hopkins CMG, Baylor College of Medicine
Classification: Likely pathogenic for Abnormal brain morphology. Review status: criteria provided, single submitter. Criteria: Karaca et al. (Neuron 2015). Collection method: research. Allele origin: inherited. Inheritance: Autosomal recessive inheritance. Affected: yes.

Literature cited by the submitters: PubMed 26539891 (cited by 3billion).

NM_003560.4(PLA2G6):c.1640A>G (p.Glu547Gly)

Gene: PLA2G6 (phospholipase A2 group VI; minus strand). Cytogenetic location: 22q13.1.
Variant type: single nucleotide variant.
Coding change: c.1640A>G on transcript NM_003560.4 (MANE Select); coding-DNA position 1640, A replaced by G.
Protein change: p.Glu547Gly; replaces glutamic acid 547 with glycine.
Molecular consequence: missense variant.
Genome position (GRCh38, 1-based): chr22:38,120,861, T>C on the plus strand (A>G on the coding strand, the complement: PLA2G6 is on the minus strand). VCF-style: chr22-38120861-T-C. GRCh37 (hg19) VCF-style: chr22-38516868-T-C.
Other names: c.1478A>G, p.Glu493Gly (NM_001004426.3, NM_001199562.3, NM_001349865.2 and 1 more transcripts); c.1640A>G, p.Glu547Gly (NM_001349864.2); c.1106A>G, p.Glu369Gly (NM_001349867.2); c.962A>G, p.Glu321Gly (NM_001349868.2); c.944A>G, p.Glu315Gly (NM_001349869.2); short protein forms E493G, E547G, E321G, E369G, E315G.
Identifiers: ClinVar variation 402192 (VCV000402192.3), dbSNP rs1060499764, ClinGen allele CA16609546.
Genomic context (GRCh38, chr22:38,120,861, plus strand): 5'-TCCCGCTTCAGGAACTCCTCCAGGGGCCCCGACTCGTAGGGCCTGGAGCCCCGGAACACC[T>C]CATCCTTCATGCGAAAGTACATGCCGCGCATGTAGGCCATGGACTTACCTAGGAACAAAG-3'
Protein context (NP_003551.2, residues 537-557): MRGMYFRMKD[Glu547Gly]VFRGSRPYES